The following is an entry in ClinVar:

NM_000284.4(PDHA1):c.263G>A (p.Arg88His)

Gene: PDHA1 (pyruvate dehydrogenase E1 subunit alpha 1; plus strand). Cytogenetic location: Xp22.12.
Variant type: single nucleotide variant.
Coding change: c.263G>A on transcript NM_000284.4 (MANE Select); coding-DNA position 263, G replaced by A.
Protein change: p.Arg88His; replaces arginine 88 with histidine.
Molecular consequence: missense variant.
Genome position (GRCh38, 1-based): chrX:19,350,082, G>A. VCF-style: chrX-19350082-G-A. GRCh37 (hg19) VCF-style: chrX-19368200-G-A.
Other names: c.377G>A, p.Arg126His (NM_001173454.2); c.263G>A, p.Arg88His (NM_001173455.2, NM_001173456.2); short protein forms R126H, R88H.
Identifiers: ClinVar variation 1314725 (VCV001314725.5), dbSNP rs2147174790, ClinGen allele CA412390597.

ClinVar aggregate classification (germline): Uncertain significance. Review status: criteria provided, multiple submitters, no conflicts (2 of 4 stars). 3 submissions from 3 submitters: Uncertain significance (3). Last evaluated 2025-04-24.

Conditions:
Inborn genetic diseases. Identifiers: MedGen C0950123, MeSH D030342.

Submissions (3):

Women's Health and Genetics/Laboratory Corporation of America, LabCorp
Classification: Uncertain significance. Last evaluated: 2025-04-24. Review status: criteria provided, single submitter. Criteria: LabCorp Variant Classification Summary - May 2015. Collection method: clinical testing. Allele origin: germline.
Comment: Variant summary: PDHA1 c.263G>A (p.Arg88His) results in a non-conservative amino acid change in the encoded protein sequence. Five of five in-silico tools predict a damaging effect of the variant on protein function. The variant was absent in 183507 control chromosomes. The available data on variant occurrences in the general population are insufficient to allow any conclusion about variant significance. To our knowledge, no occurrence of c.263G>A in individuals affected with Pyruvate Dehydrogenase Deficiency and no experimental evidence demonstrating its impact on protein function have been reported. ClinVar contains an entry for this variant (Variation ID: 1314725). Based on the evidence outlined above, the variant was classified as uncertain significance.

Ambry Genetics
Classification: Uncertain significance for Inborn genetic diseases. Last evaluated: 2024-09-09. Review status: criteria provided, single submitter. Criteria: Ambry Variant Classification Scheme 2023. Collection method: clinical testing. Allele origin: germline.
Comment: The c.263G>A (p.R88H) alteration is located in exon 3 (coding exon 3) of the PDHA1 gene. This alteration results from a G to A substitution at nucleotide position 263, causing the arginine (R) at amino acid position 88 to be replaced by a histidine (H). This variant was not reported in population-based cohorts in the Genome Aggregation Database (gnomAD). Two other alterations at the same codon, c.262C>T (p.R88C) and c.262C>A (p.R88S), have been detected in males with pyruvate dehydrogenase complex deficiencies, peripheral neuropathy, muscle weakness, progressive neurologic deterioration, and other clinical features consistent with pyruvate dehydrogenase E1-alpha deficiency; This amino acid position is highly conserved in available vertebrate species. This alteration is predicted to be deleterious by in silico analysis. Based on insufficient or conflicting evidence, the clinical significance of this alteration remains unclear.

GeneDx
Classification: Uncertain significance. Last evaluated: 2021-04-14. Review status: criteria provided, single submitter. Criteria: GeneDx Variant Classification Process June 2021. Collection method: clinical testing. Allele origin: germline. Affected: yes.
Comment: Not observed in large population cohorts (Lek et al., 2016); Missense variants in this gene are often considered pathogenic (Stenson et al., 2014); In silico analysis supports that this missense variant has a deleterious effect on protein structure/function; Has not been previously published as pathogenic or benign to our knowledge

Literature cited by the submitters: PubMed 21470495 (cited by Ambry Genetics); PubMed 21914562 (cited by Ambry Genetics); PubMed 27144126 (cited by Ambry Genetics); PubMed 38497591 (cited by Ambry Genetics); PubMed 39118480 (cited by Ambry Genetics).